The following is an entry in ClinVar:

NM_001429.4(EP300):c.1716C>T (p.His572=)

Gene: EP300 (E1A binding protein p300; plus strand). Cytogenetic location: 22q13.2.
Variant type: single nucleotide variant.
Coding change: c.1716C>T on transcript NM_001429.4 (MANE Select); coding-DNA position 1716, C replaced by T.
Protein change: p.His572=; no amino-acid change (histidine 572 retained).
Molecular consequence: synonymous variant.
Genome position (GRCh38, 1-based): chr22:41,137,746, C>T. VCF-style: chr22-41137746-C-T. GRCh37 (hg19) VCF-style: chr22-41533750-C-T.
Other names: c.1716C>T, p.His572= (NM_001362843.2).
Identifiers: ClinVar variation 3351753 (VCV003351753.1).

ClinVar aggregate classification (germline): Likely benign (0 of 4 stars; one submission).

Conditions:
EP300-related disorder. Also called: EP300-related disorders; EP300-related condition.

gnomAD v4.1: 4 of 1,614,098 alleles (0.00025%); highest among the groups gnomAD compares: Non-Finnish European, 0.00034%; no homozygotes.

Submission:

PreventionGenetics, part of Exact Sciences
Classification: Likely benign for EP300-related condition. Last evaluated: 2022-04-15. Review status: no assertion criteria provided. Collection method: clinical testing. Allele origin: germline.
Comment: This variant is classified as likely benign based on ACMG/AMP sequence variant interpretation guidelines (Richards et al. 2015 PMID: 25741868, with internal and published modifications).